The following is an entry in ClinVar:

NM_000090.4(COL3A1):c.2197G>A (p.Gly733Ser)

Gene: COL3A1 (collagen type III alpha 1 chain; plus strand). Cytogenetic location: 2q32.2.
Variant type: single nucleotide variant.
Coding change: c.2197G>A on transcript NM_000090.4 (MANE Select); coding-DNA position 2197, G replaced by A.
Protein change: p.Gly733Ser; replaces glycine 733 with serine.
Molecular consequence: missense variant.
Genome position (GRCh38, 1-based): chr2:188,999,545, G>A. VCF-style: chr2-188999545-G-A. GRCh37 (hg19) VCF-style: chr2-189864271-G-A.
Other names: short protein forms G733S.
Identifiers: ClinVar variation 3386462 (VCV003386462.1).

ClinVar aggregate classification (germline): Uncertain significance (1 of 4 stars; one submission).

Conditions:
Ehlers-Danlos syndrome, type 4 (EDSVASC). Also called: Ehlers-Danlos syndrome vascular type; Ehlers Danlos syndrome, ecchymotic type; Ehlers Danlos syndrome, arterial type; Ehlers Danlos syndrome, Sack-Barabas type; Ehlers-Danlos Syndrome Type IV. Identifiers: Orphanet 286, MedGen C0268338, MONDO:0017314, OMIM 130050.

gnomAD v4.1: 3 of 1,613,858 alleles (0.00019%); highest among the groups gnomAD compares: Non-Finnish European, 0.00025%; no homozygotes.

Submission:

All of Us Research Program, National Institutes of Health
Classification: Uncertain significance for Ehlers-Danlos syndrome, type 4. Last evaluated: 2024-08-13. Review status: criteria provided, single submitter. Criteria: ACMG Guidelines, 2015. Collection method: clinical testing. Allele origin: germline. Inheritance: Autosomal dominant inheritance. Observed: 1 variant allele, 1 heterozygote.
Comment: This missense variant replaces glycine with serine at codon 733 of the COL3A1 protein. Computational prediction suggests that this variant may not impact protein structure and function. To our knowledge, functional studies have not been reported for this variant. This variant has not been reported in individuals affected with COL3A1-related disorders in the literature. This variant has not been identified in the general population by the Genome Aggregation Database (gnomAD). The available evidence is insufficient to determine the role of this variant in disease conclusively. Therefore, this variant is classified as a Variant of Uncertain Significance.

This study involves interpretation of variants in research participants for the purpose of population health screening. Participant phenotype was not available at the time of variant classification. Additional details can be found in publication PMID: 35346344, PMCID: PMC8962531